The following is an entry in ClinVar:

NM_000540.3(RYR1):c.1792-15G>C

Gene: RYR1 (ryanodine receptor 1; plus strand). Cytogenetic location: 19q13.2.
Variant type: single nucleotide variant.
Coding change: c.1792-15G>C on transcript NM_000540.3 (MANE Select); 15 bases into the intron before coding-DNA position 1792, G replaced by C.
Molecular consequence: intron variant.
Genome position (GRCh38, 1-based): chr19:38,457,482, G>C. VCF-style: chr19-38457482-G-C. GRCh37 (hg19) VCF-style: chr19-38948122-G-C.
Other names: c.1792-15G>C (NM_001042723.2).
Identifiers: ClinVar variation 3071862 (VCV003071862.1), dbSNP rs2514037700, ClinGen allele CA2825002768.

ClinVar aggregate classification (germline): Likely benign (1 of 4 stars; one submission).

Conditions:
Malignant hyperthermia, susceptibility to, 1 (MHS1). Also called: Anesthesia related hyperthermia; Malignant hyperpyrexia; Fulminating hyperpyrexia; Pharmacogenic myopathy; RYR1-Related Malignant Hyperthermia Susceptibility; Malignant hyperthermia suceptibility 1. Identifiers: Orphanet 423, MedGen C2930980, MONDO:0007783, OMIM 145600.

Submission:

All of Us Research Program, National Institutes of Health
Classification: Likely benign for Malignant hyperthermia, susceptibility to, 1. Last evaluated: 2023-06-26. Review status: criteria provided, single submitter. Criteria: ACMG Guidelines, 2015. Collection method: clinical testing. Allele origin: germline. Inheritance: Autosomal dominant inheritance. Observed: 1 variant allele, 1 heterozygote.
Comment: This study involves interpretation of variants in research participants for the purpose of population health screening. Participant phenotype was not available at the time of variant classification. Additional details can be found in publication PMID: 35346344, PMCID: PMC8962531